The following is an entry in ClinVar:

NM_003002.4(SDHD):c.299C>G (p.Thr100Ser)

Gene: SDHD (succinate dehydrogenase complex subunit D; plus strand). Cytogenetic location: 11q23.1.
Variant type: single nucleotide variant.
Coding change: c.299C>G on transcript NM_003002.4 (MANE Select); coding-DNA position 299, C replaced by G.
Protein change: p.Thr100Ser; replaces threonine 100 with serine.
Molecular consequence: missense variant. On other transcripts: non-coding transcript variant (1), intron variant (1).
Genome position (GRCh38, 1-based): chr11:112,088,996, C>G. VCF-style: chr11-112088996-C-G. GRCh37 (hg19) VCF-style: chr11-111959720-C-G.
Other names: c.182C>G, p.Thr61Ser (NM_001276504.2); c.299C>G, p.Thr100Ser (NM_001276506.2); c.169+1023C>G (NM_001276503.2); short protein forms T100S, T61S.
Identifiers: ClinVar variation 3070901 (VCV003070901.1), dbSNP rs557454864, ClinGen allele CA382617405.

ClinVar aggregate classification (germline): Uncertain significance (1 of 4 stars; one submission).

Conditions:
Hereditary pheochromocytoma and paraganglioma. Also called: Hereditary pheochromocytoma-paraganglioma; Hereditary Paraganglioma-Pheochromocytoma Syndromes; Hereditary paragangliomas and pheochromocytomas. Identifiers: Orphanet 29072, MedGen C4274332, MONDO:0017366.

gnomAD v4.1: 1 of 1,614,224 alleles (0.000062%); highest among the groups gnomAD compares: Non-Finnish European, 0.000085%; no homozygotes.

Submission:

All of Us Research Program, National Institutes of Health
Classification: Uncertain significance for Hereditary pheochromocytoma and paraganglioma. Last evaluated: 2023-05-04. Review status: criteria provided, single submitter. Criteria: ACMG Guidelines, 2015. Collection method: clinical testing. Allele origin: germline. Inheritance: Autosomal dominant inheritance. Observed: 1 variant allele, 1 heterozygote.
Comment: This missense variant replaces threonine with serine at codon 100 of the SDHD protein. Computational prediction is inconclusive regarding the impact of this variant on protein structure and function (internally defined REVEL score threshold 0.5 < inconclusive < 0.7, PMID: 27666373). To our knowledge, functional studies have not been reported for this variant. This variant has not been reported in individuals affected with SDHD-related disorders in the literature. This variant has not been identified in the general population by the Genome Aggregation Database (gnomAD). The available evidence is insufficient to determine the role of this variant in disease conclusively. Therefore, this variant is classified as a Variant of Uncertain Significance.

This study involves interpretation of variants in research participants for the purpose of population health screening. Participant phenotype was not available at the time of variant classification. Additional details can be found in publication PMID: 35346344, PMCID: PMC8962531